The following is an entry in ClinVar:

NM_000143.4(FH):c.35G>A (p.Arg12His)

Gene: FH (fumarate hydratase; minus strand). Cytogenetic location: 1q43.
Variant type: single nucleotide variant.
Coding change: c.35G>A on transcript NM_000143.4 (MANE Select); coding-DNA position 35, G replaced by A.
Protein change: p.Arg12His; replaces arginine 12 with histidine.
Molecular consequence: missense variant.
Genome position (GRCh38, 1-based): chr1:241,519,688, C>T on the plus strand (G>A on the coding strand, the complement: FH is on the minus strand). VCF-style: chr1-241519688-C-T. GRCh37 (hg19) VCF-style: chr1-241682988-C-T.
Other names: c.35G>A (NM_000143.3); short protein forms R12H.
Identifiers: ClinVar variation 1399551 (VCV001399551.9), dbSNP rs367826177, ClinGen allele CA345443006.

ClinVar aggregate classification (germline): Uncertain significance. Review status: criteria provided, multiple submitters, no conflicts (2 of 4 stars). 3 submissions from 3 submitters: Uncertain significance (3). Last evaluated 2026-07-06.

Conditions:
Hereditary cancer-predisposing syndrome. Also called: Hereditary Cancer Syndrome; Neoplastic Syndromes, Hereditary; Hereditary neoplastic syndrome; Tumor predisposition. Identifiers: Orphanet 140162, MedGen C0027672, MeSH D009386, MONDO:0015356.

Submissions (3):

Ambry Genetics
Classification: Uncertain significance for Hereditary cancer-predisposing syndrome. Last evaluated: 2026-07-06. Review status: criteria provided, single submitter. Criteria: Ambry Variant Classification Scheme 2023. Collection method: clinical testing. Allele origin: germline.
Comment: The p.R12H variant (also known as c.35G>A), located in coding exon 1 of the FH gene, results from a G to A substitution at nucleotide position 35. The arginine at codon 12 is replaced by histidine, an amino acid with highly similar properties. This amino acid position is conserved. In addition, the in silico prediction for this alteration is inconclusive. Based on the available evidence, the clinical significance of this variant remains unclear.

Labcorp Genetics (formerly Invitae), Labcorp
Classification: Uncertain significance. Last evaluated: 2025-10-22. Review status: criteria provided, single submitter. Criteria: Invitae Variant Classification Sherloc (09022015). Collection method: clinical testing. Allele origin: germline.
Comment: This sequence change replaces arginine, which is basic and polar, with histidine, which is basic and polar, at codon 12 of the FH protein (p.Arg12His). This variant is not present in population databases (gnomAD no frequency). This variant has not been reported in the literature in individuals affected with FH-related conditions. ClinVar contains an entry for this variant (Variation ID: 1399551). Invitae Evidence Modeling of protein sequence and biophysical properties (such as structural, functional, and spatial information, amino acid conservation, physicochemical variation, residue mobility, and thermodynamic stability) indicates that this missense variant is not expected to disrupt FH protein function with a negative predictive value of 95%. In summary, the available evidence is currently insufficient to determine the role of this variant in disease. Therefore, it has been classified as a Variant of Uncertain Significance.

Dasa
Classification: Uncertain significance. Last evaluated: 2025-03-18. Review status: criteria provided, single submitter. Criteria: DASA Assertion Criteria. Collection method: clinical testing. Allele origin: germline.
Comment: NM_000143.4(FH):c.35G>A (p.Arg12His) is a missense variant that results in the substitution of arginine with histidine. This variant is absent from population databases. The currently available literature and clinical evidence are not sufficient to establish a definitive association between this variant and the reported condition. Therefore, this variant is classified as a variant of uncertain significance.